The following is an entry in ClinVar:

NM_000222.3(KIT):c.1990+6G>C

Gene: KIT (KIT proto-oncogene, receptor tyrosine kinase; plus strand). Cytogenetic location: 4q12.
Variant type: single nucleotide variant.
Coding change: c.1990+6G>C on transcript NM_000222.3 (MANE Select); 6 bases into the intron after coding-DNA position 1990, G replaced by C.
Molecular consequence: intron variant.
Genome position (GRCh38, 1-based): chr4:54,728,127, G>C. VCF-style: chr4-54728127-G-C. GRCh37 (hg19) VCF-style: chr4-55594293-G-C.
Other names: c.1993+6G>C (NM_001385284.1, NM_001385290.1); c.1981+6G>C (NM_001385288.1, NM_001385292.1); c.1990+6G>C (NM_001385285.1); c.1978+6G>C (NM_001093772.2, NM_001385286.1).
Identifiers: ClinVar variation 1383639 (VCV001383639.6), dbSNP rs2109782325, ClinGen allele CA2573138233.

ClinVar aggregate classification (germline): Uncertain significance (1 of 4 stars; one submission).

Conditions:
Gastrointestinal stromal tumor. Also called: Gastrointestinal stroma tumor; Gastrointestinal stromal tumor, somatic. Identifiers: Orphanet 44890, MedGen C0238198, MeSH D046152, MONDO:0011719, OMIM 606764, HP:0100723.

Submission:

Labcorp Genetics (formerly Invitae), Labcorp
Classification: Uncertain significance for Gastrointestinal stromal tumor. Last evaluated: 2024-07-15. Review status: criteria provided, single submitter. Criteria: Invitae Variant Classification Sherloc (09022015). Collection method: clinical testing. Allele origin: germline.
Comment: This sequence change falls in intron 13 of the KIT gene. It does not directly change the encoded amino acid sequence of the KIT protein. It affects a nucleotide within the consensus splice site. This variant is not present in population databases (gnomAD no frequency). This variant has not been reported in the literature in individuals affected with KIT-related conditions. ClinVar contains an entry for this variant (Variation ID: 1383639). Variants that disrupt the consensus splice site are a relatively common cause of aberrant splicing (PMID: 17576681, 9536098). Algorithms developed to predict the effect of sequence changes on RNA splicing suggest that this variant is not likely to affect RNA splicing. In summary, the available evidence is currently insufficient to determine the role of this variant in disease. Therefore, it has been classified as a Variant of Uncertain Significance.

Literature cited by the submitters: PubMed 17576681; PubMed 9536098.